The following is an entry in ClinVar:

ClinVar aggregate classification (germline): Uncertain significance. Review status: criteria provided, multiple submitters, no conflicts (2 of 4 stars). 7 submissions from 7 submitters: Uncertain significance (5). 2 of the submissions do not count toward it. Last evaluated 2025-10-01.

Conditions:
Inborn genetic diseases. Identifiers: MedGen C0950123, MeSH D030342.
Charcot-Marie-Tooth disease. Also called: Charcot-Marie-Tooth Neuropathy; Charcot-Marie-Tooth Hereditary Neuropathy. Identifiers: Orphanet 166, MedGen C0007959, MONDO:0015626.
Charcot-Marie-Tooth disease axonal type 2C (HMSN2C). Also called: CHARCOT-MARIE-TOOTH DISEASE, AXONAL, AUTOSOMAL DOMINANT, TYPE 2C; Charcot-Marie-Tooth Neuropathy Type 2C; Charcot-Marie-Tooth Disease Type 2, TRPV4-Related (CMT2C). Identifiers: Orphanet 99937, MedGen C1853710, MONDO:0011633, OMIM 606071.

Allele frequency attached by ClinVar (database versions not stated): ExAC 0.00001; TOPMed 0.00002; gnomAD exomes 0.00002; gnomAD 0.00001.

Submissions (7):

CeGaT Center for Human Genetics Tuebingen
Classification: Uncertain significance. Last evaluated: 2025-10-01. Review status: criteria provided, single submitter. Criteria: CeGaT Center For Human Genetics Tuebingen Variant Classification Criteria Version 2. Collection method: clinical testing. Allele origin: germline. Affected: yes. Observed: 1 variant allele.
Comment: TRPV4: PM2:Supporting

Labcorp Genetics (formerly Invitae), Labcorp
Classification: Uncertain significance for Charcot-Marie-Tooth disease axonal type 2C. Last evaluated: 2024-11-18. Review status: criteria provided, single submitter. Criteria: Invitae Variant Classification Sherloc (09022015). Collection method: clinical testing. Allele origin: germline.
Comment: This sequence change creates a premature translational stop signal (p.Tyr567*) in the TRPV4 gene. It is expected to result in an absent or disrupted protein product. However, the current clinical and genetic evidence is not sufficient to establish whether loss-of-function variants in TRPV4 cause disease. This variant is present in population databases (rs515726156, gnomAD 0.004%). This premature translational stop signal has been observed in individual(s) with clinical features of TRPV4-related conditions (PMID: 22851605, 32376792). ClinVar contains an entry for this variant (Variation ID: 126466). Studies have shown that this premature translational stop signal does not significantly alter or has an unclear effect on TRPV4 gene expression (PMID: 22851605). In summary, the available evidence is currently insufficient to determine the role of this variant in disease. Therefore, it has been classified as a Variant of Uncertain Significance.

Blueprint Genetics
Classification: Uncertain significance. Last evaluated: 2022-01-05. Review status: criteria provided, single submitter. Criteria: ACMG Guidelines, 2015. Collection method: clinical testing. Allele origin: germline.

Ambry Genetics
Classification: Uncertain significance for Inborn genetic diseases. Last evaluated: 2021-10-19. Review status: criteria provided, single submitter. Criteria: Ambry Variant Classification Scheme 2023. Collection method: clinical testing. Allele origin: germline.
Comment: The p.Y567* variant (also known as c.1701C>A), located in coding exon 10 of the TRPV4 gene, results from a C to A substitution at nucleotide position 1701. This changes the amino acid from a tyrosine to a stop codon within coding exon 10. This alteration is expected to result in premature protein truncation or nonsense-mediated mRNA decay. However, loss of function of TRPV4 has not been clearly established as a mechanism of disease. Since supporting evidence is limited at this time, the clinical significance of this alteration remains unclear.

Molecular Genetics Laboratory, London Health Sciences Centre
Classification: Uncertain significance for Charcot-Marie-Tooth disease. Review status: criteria provided, single submitter. Criteria: ACMG Guidelines, 2015. Collection method: clinical testing. Allele origin: germline. Affected: yes.

GeneReviews
No classification provided. Review status: no classification provided. Collection method: literature only. Allele origin: germline. Affected: yes. Not counted in ClinVar's aggregate classification.

Inherited Neuropathy Consortium
Classification: Uncertain significance for Charcot-Marie-Tooth disease. Review status: no assertion criteria provided. Collection method: literature only. Allele origin: germline. Affected: yes. Not counted in ClinVar's aggregate classification.

Literature cited by the submitters: PubMed 22851605 (cited by 3 submitters); PubMed 32376792 (cited by Labcorp Genetics (formerly Invitae), Labcorp); NCBI Bookshelf NBK201366 (cited by GeneReviews).

NM_021625.5(TRPV4):c.1701C>A (p.Tyr567Ter)

Gene: TRPV4 (transient receptor potential cation channel subfamily V member 4; minus strand). Cytogenetic location: 12q24.11.
Variant type: single nucleotide variant.
Coding change: c.1701C>A on transcript NM_021625.5 (MANE Select); coding-DNA position 1701, C replaced by A.
Protein change: p.Tyr567Ter; replaces tyrosine 567 with a stop codon.
Molecular consequence: nonsense.
Genome position (GRCh38, 1-based): chr12:109,792,775, G>T on the plus strand (C>A on the coding strand, the complement: TRPV4 is on the minus strand). VCF-style: chr12-109792775-G-T. GRCh37 (hg19) VCF-style: chr12-110230580-G-T.
Other names: c.1560C>A, p.Tyr520Ter (NM_001177428.2); c.1599C>A, p.Tyr533Ter (NM_001177431.2); c.1380C>A, p.Tyr460Ter (NM_001177433.2); c.1521C>A, p.Tyr507Ter (NM_147204.3); short protein forms Y520*, Y507*, Y533*, Y460*.
Identifiers: ClinVar variation 126466 (VCV000126466.57), dbSNP rs515726156, ClinGen allele CA347793.
Genomic context (GRCh38, chr12:109,792,775, plus strand): 5'-CATCCAGCCCAGGACCAGGGCAAAGACCATCACGGCCAGGTAGGCCTCGATCCCTGCCAG[G>T]TAGAGGGCTGCTGAGACGATCACCAGGACAGAGTAGATGAAGCTGCAGTGCAGCAGAGAC-3'